The following is an entry in ClinVar:

NM_007327.4(GRIN1):c.1916T>G (p.Phe639Cys)

Gene: GRIN1 (glutamate ionotropic receptor NMDA type subunit 1; plus strand). Cytogenetic location: 9q34.3.
Variant type: single nucleotide variant.
Coding change: c.1916T>G on transcript NM_007327.4 (MANE Select); coding-DNA position 1916, T replaced by G.
Protein change: p.Phe639Cys; replaces phenylalanine 639 with cysteine.
Molecular consequence: missense variant.
Genome position (GRCh38, 1-based): chr9:137,162,642, T>G. VCF-style: chr9-137162642-T-G. GRCh37 (hg19) VCF-style: chr9-140057094-T-G.
Other names: c.1916T>G, p.Phe639Cys (NM_000832.7, NM_021569.4); c.1979T>G, p.Phe660Cys (NM_001185090.2, NM_001185091.2); short protein forms F639C, F660C.
Identifiers: ClinVar variation 2635379 (VCV002635379.1), dbSNP rs2538640687, ClinGen allele CA375720603.

ClinVar aggregate classification (germline): Likely pathogenic (1 of 4 stars; one submission).

Conditions:
GRIN1-related disorder. Also called: GRIN1-related condition.

Submission:

PreventionGenetics, part of Exact Sciences
Classification: Likely pathogenic for GRIN1-related condition. Last evaluated: 2023-01-19. Review status: criteria provided, single submitter. Criteria: ACMG Guidelines, 2015. Collection method: clinical testing. Allele origin: germline.
Comment: The GRIN1 c.1916T>G variant is predicted to result in the amino acid substitution p.Phe639Cys. To our knowledge, this variant has not been reported in the literature or in a large population database, indicating this variant is rare. At this time, the clinical significance of this variant is uncertain due to the absence of conclusive functional and genetic evidence.